The following is an entry in ClinVar:

NM_001099922.3(ALG13):c.2797CCT[15] (p.Pro944_Pro945dup)

Gene: ALG13 (ALG13 UDP-N-acetylglucosaminyltransferase subunit; plus strand). Cytogenetic location: Xq23.
Variant type: Microsatellite.
Coding change: c.2797CCT[15] on transcript NM_001099922.3 (MANE Select); 15 copies in a row of the 3-base unit CCT starting at c.2797; the reference has 13 copies in a row; two copies, 6 bases duplicated; also written c.2830_2835dup.
Protein change: p.Pro944_Pro945dup.
Molecular consequence: inframe insertion. On other transcripts: intron variant (5).
Genome position (GRCh38, 1-based): chrX:111,744,802-111,744,807, CCTCCT duplicated; duplicating any 6 consecutive bases within chrX:111,744,769-111,744,807 gives the same sequence; the position shown is the placement nearest the transcript's 3' end. VCF-style (leftmost placement, unchanged base first): chrX-111744768-A-ACCTCCT. GRCh37 (hg19) VCF-style: chrX-110987996-A-ACCTCCT.
Other names: c.2830_2835dup6 (NM_001099922.2); c.2563CCT[15], p.Pro866_Pro867dup (NM_001257231.2); c.2383+7890CCT[15] (NM_001257237.2, NM_001257234.2, NM_001257230.2); c.2209+7890CCT[15] (NM_001324293.1); c.2695+7890CCT[15] (NM_001324292.2); c.2830_2835dup (NM_001099922.2).
Identifiers: ClinVar variation 700610 (VCV000700610.33), dbSNP rs56717389, ClinGen allele CA518059796.

ClinVar aggregate classification (germline): Likely benign. Review status: criteria provided, multiple submitters, no conflicts (2 of 4 stars). 4 submissions from 4 submitters: Likely benign (3). 1 of the submissions does not count toward it. Last evaluated 2026-01-21.

Conditions:
ALG13-related disorder. Also called: ALG13-related condition.
Developmental and epileptic encephalopathy, 36 (DEE36). Also called: Epileptic encephalopathy, early infantile, 36; ALG13-CDG; Congenital disorder of glycosylation, type Is. Identifiers: Orphanet 324422, MedGen C4317295, MONDO:0010472, OMIM 300884.
Inborn genetic diseases. Identifiers: MedGen C0950123, MeSH D030342.

Submissions (4):

Labcorp Genetics (formerly Invitae), Labcorp
Classification: Likely benign for Developmental and epileptic encephalopathy, 36. Last evaluated: 2026-01-21. Review status: criteria provided, single submitter. Criteria: Invitae Variant Classification Sherloc (09022015). Collection method: clinical testing. Allele origin: germline.

CeGaT Center for Human Genetics Tuebingen
Classification: Likely benign. Last evaluated: 2025-03-01. Review status: criteria provided, single submitter. Criteria: CeGaT Center For Human Genetics Tuebingen Variant Classification Criteria Version 2. Collection method: clinical testing. Allele origin: germline. Affected: yes. Observed: 3 variant alleles.
Comment: ALG13: BP3

Ambry Genetics
Classification: Likely benign for Inborn genetic diseases. Last evaluated: 2024-03-27. Review status: criteria provided, single submitter. Criteria: Ambry Variant Classification Scheme 2023. Collection method: clinical testing. Allele origin: germline.

PreventionGenetics, part of Exact Sciences
Classification: Likely benign for ALG13-related condition. Last evaluated: 2021-01-08. Review status: no assertion criteria provided. Collection method: clinical testing. Allele origin: germline. Not counted in ClinVar's aggregate classification.
Comment: This variant is classified as likely benign based on ACMG/AMP sequence variant interpretation guidelines (Richards et al. 2015 PMID: 25741868, with internal and published modifications).